The following is an entry in ClinVar:

ClinVar aggregate classification (germline): Benign. Review status: criteria provided, multiple submitters, no conflicts (2 of 4 stars). 8 submissions from 8 submitters: Benign (8). Last evaluated 2026-02-04.

Conditions:
T-cell immunodeficiency, congenital alopecia, and nail dystrophy. Also called: Congenital alopecia and nail dystrophy associated with severe functional T-cell immunodeficiency; Pignata Guarino syndrome. Identifiers: Orphanet 169095, MedGen C1866426, MONDO:0011132, OMIM 601705.

Allele frequency attached by ClinVar (database versions not stated): gnomAD exomes 0.31927; ExAC 0.32289; ESP Exome Variant Server 0.37867; gnomAD 0.38171 and 0.38842; TOPMed 0.39267; 1000 Genomes Project 0.39277; 1000 Genomes Project 30x 0.39616.
gnomAD v4.1: 499,800 of 1,613,382 alleles (31%); highest among the groups gnomAD compares: African/African-American, 58%; 81,552 homozygotes.

Submissions (8):

Labcorp Genetics (formerly Invitae), Labcorp
Classification: Benign for T-cell immunodeficiency, congenital alopecia, and nail dystrophy. Last evaluated: 2026-02-04. Review status: criteria provided, single submitter. Criteria: Invitae Variant Classification Sherloc (09022015). Collection method: clinical testing. Allele origin: germline.

Unidad de Genómica Garrahan, Hospital de Pediatría Garrahan
Classification: Benign. Last evaluated: 2024-01-24. Review status: criteria provided, single submitter. Criteria: ACMG Guidelines, 2015. Collection method: clinical testing. Allele origin: germline. Affected: no. Observed: 59 variant alleles.
Comment: This variant is classified as Benign based on local population frequency. This variant was detected in 62% of patients studied by a panel of primary immunodeficiencies. Number of patients: 59. Only high quality variants are reported.

Genome-Nilou Lab
Classification: Benign for T-cell immunodeficiency, congenital alopecia, and nail dystrophy. Last evaluated: 2021-08-10. Review status: criteria provided, single submitter. Criteria: ACMG Guidelines, 2015. Collection method: clinical testing. Allele origin: germline. Affected: no.

Mayo Clinic Laboratories, Mayo Clinic
Classification: Benign. Last evaluated: 2018-03-21. Review status: criteria provided, single submitter. Criteria: ACMG Guidelines, 2015. Collection method: clinical testing. Allele origin: germline. Observed: 67 variant alleles.

Illumina Laboratory Services, Illumina
Classification: Benign for T-cell immunodeficiency, congenital alopecia, and nail dystrophy. Last evaluated: 2018-01-13. Review status: criteria provided, single submitter. Criteria: ICSL Variant Classification Criteria 13 December 2019. Collection method: clinical testing. Allele origin: germline.
Comment: This variant was observed in the ICSL laboratory as part of a predisposition screen in an ostensibly healthy population. It had not been previously curated by ICSL or reported in the Human Gene Mutation Database (HGMD: prior to June 1st, 2018), and was therefore a candidate for classification through an automated scoring system. Utilizing variant allele frequency, disease prevalence and penetrance estimates, and inheritance mode, an automated score was calculated to assess if this variant is too frequent to cause the disease. Based on the score and internal cut-off values, a variant classified as benign is not then subjected to further curation. The score for this variant resulted in a classification of benign for this disease.

Laboratory for Molecular Medicine, Mass General Brigham Personalized Medicine
Classification: Benign. Last evaluated: 2016-03-28. Review status: criteria provided, single submitter. Criteria: LMM Criteria. Collection method: clinical testing. Allele origin: germline.
Comment: Variant identified in a genome or exome case(s) and assessed due to predicted null impact of the variant or pathogenic assertions in the literature or databases. Disclaimer: This variant has not undergone full assessment. The following are preliminary notes: Frequency

GeneDx
Classification: Benign. Last evaluated: 2015-10-20. Review status: criteria provided, single submitter. Criteria: GeneDx Variant Classification (06012015). Collection method: clinical testing. Allele origin: germline. Affected: yes.
Comment: This variant is considered likely benign or benign based on one or more of the following criteria: it is a conservative change, it occurs at a poorly conserved position in the protein, it is predicted to be benign by multiple in silico algorithms, and/or has population frequency not consistent with disease.

Breakthrough Genomics
Classification: Benign. Review status: criteria provided, single submitter. Criteria: ACMG Guidelines, 2015. Collection method: not provided. Allele origin: germline. Inheritance: Autosomal recessive inheritance. Affected: yes.

NM_001369369.1(FOXN1):c.1795G>C (p.Ala599Pro)

Gene: FOXN1 (forkhead box N1; plus strand). Cytogenetic location: 17q11.2.
Variant type: single nucleotide variant.
Coding change: c.1795G>C on transcript NM_001369369.1 (MANE Select); coding-DNA position 1795, G replaced by C.
Protein change: p.Ala599Pro; replaces alanine 599 with proline.
Molecular consequence: missense variant.
Genome position (GRCh38, 1-based): chr17:28,537,284, G>C. VCF-style: chr17-28537284-G-C. GRCh37 (hg19) VCF-style: chr17-26864302-G-C.
Other names: c.1795G>C, p.Ala599Pro (NM_003593.3); short protein forms A599P.
Identifiers: ClinVar variation 322436 (VCV000322436.22), dbSNP rs532648, ClinGen allele CA8459626.